The following is an entry in ClinVar:

ClinVar aggregate classification (germline): Uncertain significance (1 of 4 stars; one submission).

Submission:

Labcorp Genetics (formerly Invitae), Labcorp
Classification: Uncertain significance. Last evaluated: 2022-02-22. Review status: criteria provided, single submitter. Criteria: Invitae Variant Classification Sherloc (09022015). Collection method: clinical testing. Allele origin: germline.
Comment: This sequence change replaces glycine, which is neutral and non-polar, with aspartic acid, which is acidic and polar, at codon 1162 of the RBP3 protein (p.Gly1162Asp). This variant is not present in population databases (gnomAD no frequency). This variant has not been reported in the literature in individuals affected with RBP3-related conditions. Algorithms developed to predict the effect of missense changes on protein structure and function are either unavailable or do not agree on the potential impact of this missense change (SIFT: "Deleterious"; PolyPhen-2: "Probably Damaging"; Align-GVGD: "Class C15"). In summary, the available evidence is currently insufficient to determine the role of this variant in disease. Therefore, it has been classified as a Variant of Uncertain Significance.

NM_002900.3(RBP3):c.3485G>A (p.Gly1162Asp)

Gene: RBP3 (retinol binding protein 3; plus strand). Cytogenetic location: 10q11.22.
Variant type: single nucleotide variant.
Coding change: c.3485G>A on transcript NM_002900.3 (MANE Select); coding-DNA position 3485, G replaced by A.
Protein change: p.Gly1162Asp; replaces glycine 1162 with aspartic acid.
Molecular consequence: missense variant.
Genome position (GRCh38, 1-based): chr10:47,357,198, G>A. VCF-style: chr10-47357198-G-A. GRCh37 (hg19) VCF-style: chr10-48382164-C-T.
Other names: short protein forms G1162D.
Identifiers: ClinVar variation 2101812 (VCV002101812.4), dbSNP rs2549031489, ClinGen allele CA376677312.
Genomic context (GRCh38, chr10:47,357,198, plus strand): 5'-TGACCAGCAGTGTGACGGCCGGCACCGCGGAGGAGTTCACCTATATCATGAAGAGGCTGG[G>A]CCGGGCCCTGGTCATTGGGGAGGTGACCAGTGGGGGCTGCCAGCCACCACAGACCTACCA-3'
Protein context (NP_002891.1, residues 1152-1172): EEFTYIMKRL[Gly1162Asp]RALVIGEVTS